The following is an entry in ClinVar:

NM_005378.6(MYCN):c.822_827del (p.Glu275_Glu276del)

Gene: MYCN (MYCN proto-oncogene, bHLH transcription factor; plus strand). Cytogenetic location: 2p24.3.
Variant type: Deletion.
Coding change: c.822_827del on transcript NM_005378.6 (MANE Select); coding-DNA positions 822 to 827, 6 bases deleted (GGAAGA; older notation c.822_827delGGAAGA).
Protein change: p.Glu275_Glu276del.
Molecular consequence: inframe deletion. On other transcripts: 3 prime UTR variant (1).
Genome position (GRCh38, 1-based): chr2:15,945,524-15,945,529, GGAAGA deleted; deleting any 6 consecutive bases within chr2:15,945,519-15,945,529 gives the same sequence; the c. name uses the placement nearest the transcript's 3' end. VCF-style (leftmost placement, unchanged base first): chr2-15945518-TGAAGAG-T. GRCh37 (hg19) VCF-style: chr2-16085640-TGAAGAG-T.
Other names: c.822_827del, p.Glu275_Glu276del (NM_001293228.2); c.189_194del, p.Glu64_Glu65del (NM_001293231.2); c.*757_*762del (NM_001293233.2).
Identifiers: ClinVar variation 4724245 (VCV004724245.1).

ClinVar aggregate classification (germline): Uncertain significance (1 of 4 stars; one submission).

Submission:

Labcorp Genetics (formerly Invitae), Labcorp
Classification: Uncertain significance. Last evaluated: 2025-10-01. Review status: criteria provided, single submitter. Criteria: Invitae Variant Classification Sherloc (09022015). Collection method: clinical testing. Allele origin: germline.
Comment: This variant, c.822_827del, results in the deletion of 2 amino acid(s) of the MYCN protein (p.Glu275_Glu276del), but otherwise preserves the integrity of the reading frame. This variant is not present in population databases (gnomAD no frequency). This variant has not been reported in the literature in individuals affected with MYCN-related conditions. Experimental studies and prediction algorithms are not available or were not evaluated, and the functional significance of this variant is currently unknown. In summary, the available evidence is currently insufficient to determine the role of this variant in disease. Therefore, it has been classified as a Variant of Uncertain Significance.